The following is an entry in ClinVar:

NM_021815.5(SLC5A7):c.1613A>G (p.Lys538Arg)

Gene: SLC5A7 (solute carrier family 5 member 7; plus strand). Cytogenetic location: 2q12.3.
Variant type: single nucleotide variant.
Coding change: c.1613A>G on transcript NM_021815.5 (MANE Select); coding-DNA position 1613, A replaced by G.
Protein change: p.Lys538Arg; replaces lysine 538 with arginine.
Molecular consequence: missense variant.
Genome position (GRCh38, 1-based): chr2:108,010,731, A>G. VCF-style: chr2-108010731-A-G. GRCh37 (hg19) VCF-style: chr2-108627187-A-G.
Other names: c.1613A>G, p.Lys538Arg (NM_001305005.3); c.1298A>G, p.Lys433Arg (NM_001305006.3); c.872A>G, p.Lys291Arg (NM_001305007.3); short protein forms K291R, K433R, K538R.
Identifiers: ClinVar variation 1384407 (VCV001384407.6), dbSNP rs1288760672, ClinGen allele CA348114973.
Genomic context (GRCh38, chr2:108,010,731, plus strand): 5'-TTGCAAGACACAGTGAAGAAAACATGGATAAGACAATTCTTGTCAAAAATGAAAATATTA[A>G]ATTAGATGAACTTGCACTTGTGAAGCCACGACAGAGCATGACCCTCAGCTCAACTTTCAC-3'
Protein context (NP_068587.1, residues 528-548): KTILVKNENI[Lys538Arg]LDELALVKPR

ClinVar aggregate classification (germline): Uncertain significance (1 of 4 stars; one submission).

Conditions:
Neuronopathy, distal hereditary motor, type 7A. Also called: Neuronopathy, distal hereditary motor, type viia; HARPER-YOUNG MYOPATHY; HMN VIIA; SPINAL MUSCULAR ATROPHY, DISTAL, WITH VOCAL CORD PARALYSIS; NEURONOPATHY, DISTAL HEREDITARY MOTOR, HARDING TYPE VIIA; NEUROPATHY, DISTAL HEREDITARY MOTOR, HARDING TYPE VIIA. Identifiers: Orphanet 139589, MedGen C1834703, MONDO:0008024, OMIM 158580.
Congenital myasthenic syndrome 20. Also called: Myasthenic syndrome, congenital, 20, presynaptic. Identifiers: MedGen C4310694, MONDO:0014939, OMIM 617143.

Allele frequency attached by ClinVar (database versions not stated): gnomAD exomes below 0.00001; gnomAD 0.00001; TOPMed 0.00002.
gnomAD v4.1: 3 of 1,613,682 alleles (0.00019%); highest among the groups gnomAD compares: Admixed American, 0.005%; no homozygotes.

Submission:

Labcorp Genetics (formerly Invitae), Labcorp
Classification: Uncertain significance for Neuronopathy, distal hereditary motor, type 7A; Congenital myasthenic syndrome 20. Last evaluated: 2025-09-15. Review status: criteria provided, single submitter. Criteria: Invitae Variant Classification Sherloc (09022015). Collection method: clinical testing. Allele origin: germline.
Comment: This sequence change replaces lysine, which is basic and polar, with arginine, which is basic and polar, at codon 538 of the SLC5A7 protein (p.Lys538Arg). This variant is not present in population databases (gnomAD no frequency). This variant has not been reported in the literature in individuals affected with SLC5A7-related conditions. ClinVar contains an entry for this variant (Variation ID: 1384407). An algorithm developed to predict the effect of missense changes on protein structure and function (PolyPhen-2) suggests that this variant is likely to be tolerated. In summary, the available evidence is currently insufficient to determine the role of this variant in disease. Therefore, it has been classified as a Variant of Uncertain Significance.